The following is an entry in ClinVar:

NM_001122764.3(PPOX):c.744G>A (p.Gly248=)

Gene: PPOX (protoporphyrinogen oxidase; plus strand). Cytogenetic location: 1q23.3.
Variant type: single nucleotide variant.
Coding change: c.744G>A on transcript NM_001122764.3 (MANE Select); coding-DNA position 744, G replaced by A.
Protein change: p.Gly248=; no amino-acid change (glycine 248 retained).
Molecular consequence: synonymous variant.
Genome position (GRCh38, 1-based): chr1:161,169,120, G>A. VCF-style: chr1-161169120-G-A. GRCh37 (hg19) VCF-style: chr1-161138910-G-A.
Other names: p.Gly248=; c.744G>A, p.Gly248= (NM_000309.5, NM_001365398.1, NM_001365399.1); c.645G>A, p.Gly215= (NM_001350128.2); c.336G>A, p.Gly112= (NM_001350129.2, NM_001365400.1); c.258G>A, p.Gly86= (NM_001350130.2, NM_001350131.2, NM_001365401.1).
Identifiers: ClinVar variation 1428414 (VCV001428414.9), dbSNP rs752880901, ClinGen allele CA1207236.
Genomic context (GRCh38, chr1:161,169,120, plus strand): 5'-ACTTCGTGGAGGTCTAGAGATGTTGCCTCAGGCCCTTGAAACCCACCTGACTAGTAGGGG[G>A]GTCAGTGTTCTCAGAGGCCAGCCGGTCTGTGGGCTCAGCCTCCAGGCAGAAGGGCGCTGG-3'
Protein context (NP_001116236.1, residues 238-258): QALETHLTSR[Gly248=]VSVLRGQPVC

ClinVar aggregate classification (germline): Likely benign. Review status: criteria provided, multiple submitters, no conflicts (2 of 4 stars). 2 submissions from 2 submitters: Likely benign (2). Last evaluated 2025-02-26.

Allele frequency attached by ClinVar (database versions not stated): gnomAD 0.00001 and 0.00002; gnomAD exomes 0.00001; TOPMed 0.00001; ExAC 0.00002.

Submissions (2):

Labcorp Genetics (formerly Invitae), Labcorp
Classification: Likely benign. Last evaluated: 2025-02-26. Review status: criteria provided, single submitter. Criteria: Invitae Variant Classification Sherloc (09022015). Collection method: clinical testing. Allele origin: germline.

Mayo Clinic Laboratories, Mayo Clinic
Classification: Likely benign. Last evaluated: 2024-12-10. Review status: criteria provided, single submitter. Criteria: ACMG Guidelines, 2015. Collection method: clinical testing. Allele origin: germline. Observed: 1 variant allele.
Comment: PM2_supporting